The following is an entry in ClinVar:

NM_030631.4(SLC25A21):c.658A>G (p.Ile220Val)

Gene: SLC25A21 (solute carrier family 25 member 21; minus strand). Cytogenetic location: 14q13.3.
Variant type: single nucleotide variant.
Coding change: c.658A>G on transcript NM_030631.4 (MANE Select); coding-DNA position 658, A replaced by G.
Protein change: p.Ile220Val; replaces isoleucine 220 with valine.
Molecular consequence: missense variant.
Genome position (GRCh38, 1-based): chr14:36,684,871, T>C on the plus strand (A>G on the coding strand, the complement: SLC25A21 is on the minus strand). VCF-style: chr14-36684871-T-C. GRCh37 (hg19) VCF-style: chr14-37154076-T-C.
Other names: c.658A>G, p.Ile220Val (NM_001171170.2); short protein forms I220V.
Identifiers: ClinVar variation 1512533 (VCV001512533.6), dbSNP rs765093427, ClinGen allele CA7159231.

ClinVar aggregate classification (germline): Uncertain significance (1 of 4 stars; one submission).

Allele frequency attached by ClinVar (database versions not stated): gnomAD exomes below 0.00001 and 0.00001; TOPMed 0.00001; ExAC 0.00002; gnomAD 0.00002 and 0.00003.
gnomAD v4.1: 11 of 1,613,934 alleles (0.00068%); highest among the groups gnomAD compares: South Asian, 0.0066%; no homozygotes.

Submission:

Labcorp Genetics (formerly Invitae), Labcorp
Classification: Uncertain significance. Last evaluated: 2022-03-18. Review status: criteria provided, single submitter. Criteria: Invitae Variant Classification Sherloc (09022015). Collection method: clinical testing. Allele origin: germline.
Comment: This sequence change replaces isoleucine, which is neutral and non-polar, with valine, which is neutral and non-polar, at codon 220 of the SLC25A21 protein (p.Ile220Val). This variant is present in population databases (rs765093427, gnomAD 0.003%). This variant has not been reported in the literature in individuals affected with SLC25A21-related conditions. Algorithms developed to predict the effect of missense changes on protein structure and function (SIFT, PolyPhen-2, Align-GVGD) all suggest that this variant is likely to be tolerated. Algorithms developed to predict the effect of sequence changes on RNA splicing suggest that this variant may create or strengthen a splice site. In summary, the available evidence is currently insufficient to determine the role of this variant in disease. Therefore, it has been classified as a Variant of Uncertain Significance.